The following is an entry in ClinVar:

NM_001370298.3(FGD4):c.1348G>A (p.Val450Ile)

Gene: FGD4 (FYVE, RhoGEF and PH domain containing 4; plus strand). Cytogenetic location: 12p11.21.
Variant type: single nucleotide variant.
Coding change: c.1348G>A on transcript NM_001370298.3 (MANE Select); coding-DNA position 1348, G replaced by A.
Protein change: p.Val450Ile; replaces valine 450 with isoleucine.
Molecular consequence: missense variant. On other transcripts: 5 prime UTR variant (1).
Genome position (GRCh38, 1-based): chr12:32,602,261, G>A. VCF-style: chr12-32602261-G-A. GRCh37 (hg19) VCF-style: chr12-32755195-G-A.
Other names: c.1192G>A, p.Val398Ile (NM_001304481.2); c.193G>A, p.Val65Ile (NM_001304483.2); c.-115G>A (NM_001304484.2); c.658G>A, p.Val220Ile (NM_001330373.2, NM_001330374.2, NM_001384130.1); c.385G>A, p.Val129Ile (NM_001370297.1); c.1348G>A, p.Val450Ile (NM_001384126.1); c.937G>A, p.Val313Ile (NM_001384127.1, NM_001384128.1, NM_001385118.1 and 1 more transcripts); short protein forms V129I, V450I, V220I, V313I, V398I, V65I.
Identifiers: ClinVar variation 1511168 (VCV001511168.7), dbSNP rs768392772, ClinGen allele CA6506758.
Genomic context (GRCh38, chr12:32,602,261, plus strand): 5'-GCACCATTCCTTAAGATGTATGGAGAATATGTGAAAGGATTTGATAATGCAATGGAATTG[G>A]TTAAAAACATGACAGAACGTATTCCCCAGTTCAAATCAGTGGTTGAAGAAATTCAGGTAA-3'
Protein context (NP_001357227.2, residues 440-460): VKGFDNAMEL[Val450Ile]KNMTERIPQF

ClinVar aggregate classification (germline): Uncertain significance. Review status: criteria provided, multiple submitters, no conflicts (2 of 4 stars). 2 submissions from 2 submitters: Uncertain significance (2). Last evaluated 2023-12-18.

Conditions:
Inborn genetic diseases. Identifiers: MedGen C0950123, MeSH D030342.
Charcot-Marie-Tooth disease type 4. Also called: Charcot-Marie-Tooth, Type 4; Charcot-Marie-Tooth disease, type IV. Identifiers: Orphanet 64749, MedGen C4082197, MONDO:0018995.

Allele frequency attached by ClinVar (database versions not stated): TOPMed 0.00002; ExAC 0.00002; gnomAD exomes 0.00001.
gnomAD v4.1: 23 of 1,614,136 alleles (0.0014%); highest among the groups gnomAD compares: Middle Eastern, 0.017%; no homozygotes.

Submissions (2):

Ambry Genetics
Classification: Uncertain significance for Inborn genetic diseases. Last evaluated: 2023-12-18. Review status: criteria provided, single submitter. Criteria: Ambry Variant Classification Scheme 2023. Collection method: clinical testing. Allele origin: germline.

Labcorp Genetics (formerly Invitae), Labcorp
Classification: Uncertain significance for Charcot-Marie-Tooth disease type 4. Last evaluated: 2021-09-01. Review status: criteria provided, single submitter. Criteria: Invitae Variant Classification Sherloc (09022015). Collection method: clinical testing. Allele origin: germline.
Comment: This sequence change replaces valine with isoleucine at codon 313 of the FGD4 protein (p.Val313Ile). The valine residue is highly conserved and there is a small physicochemical difference between valine and isoleucine. This variant is present in population databases (rs768392772, ExAC 0.003%). This variant has not been reported in the literature in individuals affected with FGD4-related conditions. Algorithms developed to predict the effect of missense changes on protein structure and function (SIFT, PolyPhen-2, Align-GVGD) all suggest that this variant is likely to be disruptive. In summary, the available evidence is currently insufficient to determine the role of this variant in disease. Therefore, it has been classified as a Variant of Uncertain Significance.